The following is an entry in ClinVar:

NM_032444.4(SLX4):c.42G>C (p.Leu14Phe)

Gene: SLX4 (SLX4 structure-specific endonuclease subunit; minus strand). Cytogenetic location: 16p13.3.
Variant type: single nucleotide variant.
Coding change: c.42G>C on transcript NM_032444.4 (MANE Select); coding-DNA position 42, G replaced by C.
Protein change: p.Leu14Phe; replaces leucine 14 with phenylalanine.
Molecular consequence: missense variant.
Genome position (GRCh38, 1-based): chr16:3,608,923, C>G on the plus strand (G>C on the coding strand, the complement: SLX4 is on the minus strand). VCF-style: chr16-3608923-C-G. GRCh37 (hg19) VCF-style: chr16-3658924-C-G.
Other names: short protein forms L14F.
Identifiers: ClinVar variation 1692014 (VCV001692014.1), dbSNP rs1332832206, ClinGen allele CA394548081.

ClinVar aggregate classification (germline): Uncertain significance (1 of 4 stars; one submission).

Conditions:
Fanconi anemia (FA). Also called: Fanconi's anemia. Identifiers: Orphanet 84, MedGen C0015625, MeSH D005199, MONDO:0019391.

gnomAD v4.1: 1 of 1,613,994 alleles (0.000062%); highest among the groups gnomAD compares: South Asian, 0.0011%; no homozygotes.

Submission:

Sema4
Classification: Uncertain significance for Fanconi anemia. Last evaluated: 2021-11-06. Review status: criteria provided, single submitter. Criteria: Sema4 Curation Guidelines. Collection method: curation. Allele origin: germline.
Comment: The SLX4 c.42G>C (p.L14F) variant has not been reported in the literature to our knowledge. It was not observed in the large and broad cohorts of the Genome Aggregation Database, nor has it been reported in ClinVar. In silico tools suggest the impact of the variant on protein function is benign, though these predictions have not been confirmed by functional studies. The evidence is insufficient to meet ACMG/AMP criteria for classifying the variant as benign or pathogenic. Thus, the clinical significance of this variant is currently uncertain.